The following is an entry in ClinVar:

ClinVar aggregate classification (germline): Uncertain significance (1 of 4 stars; one submission).

gnomAD v4.1: 1 of 1,601,464 alleles (0.000062%); highest among the groups gnomAD compares: Non-Finnish European, 0.000085%; no homozygotes.

Submission:

Labcorp Genetics (formerly Invitae), Labcorp
Classification: Uncertain significance. Last evaluated: 2020-02-23. Review status: criteria provided, single submitter. Criteria: Invitae Variant Classification Sherloc (09022015). Collection method: clinical testing. Allele origin: germline.
Comment: In summary, the available evidence is currently insufficient to determine the role of this variant in disease. Therefore, it has been classified as a Variant of Uncertain Significance. Algorithms developed to predict the effect of missense changes on protein structure and function (SIFT, PolyPhen-2, Align-GVGD) all suggest that this variant is likely to be tolerated, but these predictions have not been confirmed by published functional studies and their clinical significance is uncertain. This variant has not been reported in the literature in individuals with CWC27-related conditions. This variant is not present in population databases (ExAC no frequency). This sequence change replaces glutamine with arginine at codon 341 of the CWC27 protein (p.Gln341Arg). The glutamine residue is weakly conserved and there is a small physicochemical difference between glutamine and arginine.

NM_005869.4(CWC27):c.1022A>G (p.Gln341Arg)

Gene: CWC27 (CWC27 spliceosome associated cyclophilin; plus strand). Cytogenetic location: 5q12.3.
Variant type: single nucleotide variant.
Coding change: c.1022A>G on transcript NM_005869.4 (MANE Select); coding-DNA position 1022, A replaced by G.
Protein change: p.Gln341Arg; replaces glutamine 341 with arginine.
Molecular consequence: missense variant.
Genome position (GRCh38, 1-based): chr5:64,885,526, A>G. VCF-style: chr5-64885526-A-G. GRCh37 (hg19) VCF-style: chr5-64181353-A-G.
Other names: c.1022A>G, p.Gln341Arg (NM_001297644.1, NM_001364478.1); short protein forms Q341R.
Identifiers: ClinVar variation 942404 (VCV000942404.9), dbSNP rs1394338447, ClinGen allele CA359961450.
Genomic context (GRCh38, chr5:64,885,526, plus strand): 5'-GACAATTAAAACGGGAACTCTTAGCAGCAAAACAAAAAAAAGTAGAAAATGCAGCAAAAC[A>G]AGCAGAAAAAAGAAGTGAAGGTAAGGGCATTTATCACGCTTATTTTTTCACTTGATACTC-3'
Protein context (NP_005860.2, residues 331-351): KQKKVENAAK[Gln341Arg]AEKRSEEEEA